The following is an entry in ClinVar:

ClinVar aggregate classification (germline): Conflicting classifications of pathogenicity. Review status: criteria provided, conflicting classifications (1 of 4 stars). 2 submissions from 2 submitters: Uncertain significance (1); Likely benign (1). Last evaluated 2025-05-12.

Conditions:
Cardiomyopathy (CMYO). Also called: Cardiomyopathies. Identifiers: Orphanet 167848, MedGen C0878544, MONDO:0004994, HP:0001638. Inheritance: Various modes of inheritance.
Hypertrophic cardiomyopathy. Also called: HYPERTROPHIC MYOCARDIOPATHY. Identifiers: Orphanet 217569, MedGen C0007194, MeSH D002312, MONDO:0005045, HP:0001639.

Allele frequency attached by ClinVar (database versions not stated): gnomAD exomes below 0.00001.
gnomAD v4.1: 1 of 1,601,316 alleles (0.000062%); highest among the groups gnomAD compares: Non-Finnish European, 0.000086%; no homozygotes.

Submissions (2):

Color Diagnostics, LLC DBA Color Health
Classification: Likely benign for Cardiomyopathy. Last evaluated: 2025-05-12. Review status: criteria provided, single submitter. Criteria: ACMG Guidelines, 2015. Collection method: clinical testing. Allele origin: germline.

Labcorp Genetics (formerly Invitae), Labcorp
Classification: Uncertain significance for Hypertrophic cardiomyopathy. Last evaluated: 2023-11-17. Review status: criteria provided, single submitter. Criteria: Invitae Variant Classification Sherloc (09022015). Collection method: clinical testing. Allele origin: germline.
Comment: This sequence change falls in intron 9 of the MYH7 gene. It does not directly change the encoded amino acid sequence of the MYH7 protein. It affects a nucleotide within the consensus splice site. This variant is not present in population databases (gnomAD no frequency). This variant has been observed in individual(s) with hypertrophic cardiomyopathy (Invitae). Variants that disrupt the consensus splice site are a relatively common cause of aberrant splicing (PMID: 17576681, 9536098). Algorithms developed to predict the effect of sequence changes on RNA splicing suggest that this variant is not likely to affect RNA splicing. In summary, the available evidence is currently insufficient to determine the role of this variant in disease. Therefore, it has been classified as a Variant of Uncertain Significance.

Literature cited by the submitters: PubMed 17576681 (cited by Labcorp Genetics (formerly Invitae), Labcorp); PubMed 9536098 (cited by Labcorp Genetics (formerly Invitae), Labcorp).

NM_000257.4(MYH7):c.797-3C>T

Gene: MYH7 (myosin heavy chain 7; minus strand). Cytogenetic location: 14q11.2.
Variant type: single nucleotide variant.
Coding change: c.797-3C>T on transcript NM_000257.4 (MANE Select); 3 bases into the intron before coding-DNA position 797, C replaced by T.
Molecular consequence: intron variant.
Genome position (GRCh38, 1-based): chr14:23,431,002, G>A on the plus strand (C>T on the coding strand, the complement: MYH7 is on the minus strand). VCF-style: chr14-23431002-G-A. GRCh37 (hg19) VCF-style: chr14-23900211-G-A.
Other names: c.797-3C>T (NM_001407004.1).
Identifiers: ClinVar variation 3011959 (VCV003011959.4), dbSNP rs1892912520, ClinGen allele CA2575486704.